The following is an entry in ClinVar:

NM_199420.4(POLQ):c.775G>A (p.Val259Met)

Gene: POLQ (DNA polymerase theta; minus strand). Cytogenetic location: 3q13.33.
Variant type: single nucleotide variant.
Coding change: c.775G>A on transcript NM_199420.4 (MANE Select); coding-DNA position 775, G replaced by A.
Protein change: p.Val259Met; replaces valine 259 with methionine.
Molecular consequence: missense variant.
Genome position (GRCh38, 1-based): chr3:121,533,175, C>T on the plus strand (G>A on the coding strand, the complement: POLQ is on the minus strand). VCF-style: chr3-121533175-C-T. GRCh37 (hg19) VCF-style: chr3-121252022-C-T.
Other names: short protein forms V259M.
Identifiers: ClinVar variation 3422504 (VCV003422504.1).

ClinVar aggregate classification (germline): Uncertain significance (1 of 4 stars; one submission).

Submission:

Ambry Genetics
Classification: Uncertain significance. Last evaluated: 2024-08-21. Review status: criteria provided, single submitter. Criteria: Ambry Variant Classification Scheme 2023. Collection method: clinical testing. Allele origin: germline.
Comment: The p.V259M variant (also known as c.775G>A), located in coding exon 6 of the POLQ gene, results from a G to A substitution at nucleotide position 775. The valine at codon 259 is replaced by methionine, an amino acid with highly similar properties. This amino acid position is conserved. In addition, this alteration is predicted to be tolerated by in silico analysis. Based on the available evidence, the clinical significance of this variant remains unclear.